The following is an entry in ClinVar:

ClinVar aggregate classification (germline): Uncertain significance (1 of 4 stars; one submission).

Conditions:
Hereditary cancer-predisposing syndrome. Also called: Neoplastic Syndromes, Hereditary; Tumor predisposition; Hereditary neoplastic syndrome; Hereditary Cancer Syndrome. Identifiers: Orphanet 140162, MedGen C0027672, MeSH D009386, MONDO:0015356.

Submission:

Ambry Genetics
Classification: Uncertain significance for Hereditary cancer-predisposing syndrome. Last evaluated: 2026-09-06. Review status: criteria provided, single submitter. Criteria: Ambry Variant Classification Scheme 2023. Collection method: clinical testing. Allele origin: germline.
Comment: The p.N2334T variant (also known as c.7001A>C), located in coding exon 15 of the APC gene, results from an A to C substitution at nucleotide position 7001. The asparagine at codon 2334 is replaced by threonine, an amino acid with similar properties. This amino acid position is conserved. In addition, in silico predictors for this gene do not accurately predict pathogenicity. Based on the available evidence, the clinical significance of this variant remains unclear.

NM_000038.6(APC):c.7001A>C (p.Asn2334Thr)

Gene: APC (APC regulator of Wnt signaling pathway; plus strand). Cytogenetic location: 5q22.2.
Variant type: single nucleotide variant.
Coding change: c.7001A>C on transcript NM_000038.6 (MANE Select); coding-DNA position 7001, A replaced by C.
Protein change: p.Asn2334Thr; replaces asparagine 2334 with threonine.
Molecular consequence: missense variant. On other transcripts: non-coding transcript variant (2).
Genome position (GRCh38, 1-based): chr5:112,842,595, A>C. VCF-style: chr5-112842595-A-C. GRCh37 (hg19) VCF-style: chr5-112178292-A-C.
Other names: c.6752A>C, p.Asn2251Thr (NM_001407457.1, NM_001407454.1, NM_001407455.1 and 1 more transcripts); c.6698A>C, p.Asn2233Thr (NM_001407458.1, NM_001407459.1, NM_001407460.1 and 1 more transcripts); c.6614A>C, p.Asn2205Thr (NM_001407467.1, NM_001407469.1); c.6152A>C, p.Asn2051Thr (NM_001407470.1, NM_001354906.2); c.5849A>C, p.Asn1950Thr (NM_001407471.1, NM_001407472.1); c.7055A>C, p.Asn2352Thr (NM_001407448.1, NM_001407449.1, NM_001407447.1 and 1 more transcripts); c.7001A>C, p.Asn2334Thr (NM_001407450.1, NM_001127510.3, NM_001354895.2); c.6980A>C, p.Asn2327Thr (NM_001407451.1); and 11 more; short protein forms N2233T, N2251T, N2275T, N2352T, N1950T, N2208T, N2293T, N2334T.
Identifiers: ClinVar variation 5026117 (VCV005026117.1).